The following is an entry in ClinVar:

NM_003611.3(OFD1):c.935+595A>G

Gene: OFD1 (OFD1 centriole and centriolar satellite protein; plus strand). Cytogenetic location: Xp22.2.
Variant type: single nucleotide variant.
Coding change: c.935+595A>G on transcript NM_003611.3 (MANE Select); 595 bases into the intron after coding-DNA position 935, A replaced by G.
Molecular consequence: intron variant.
Genome position (GRCh38, 1-based): chrX:13,750,128, A>G. VCF-style: chrX-13750128-A-G. GRCh37 (hg19) VCF-style: chrX-13768247-A-G.
Other names: c.515+595A>G (NM_001330210.2); c.935+595A>G (NM_001330209.2).
Identifiers: ClinVar variation 2660030 (VCV002660030.24), dbSNP rs538169296, ClinGen allele CA326116413.
Genomic context (GRCh38, chrX:13,750,128, plus strand): 5'-CCTTCTCTTCCTTTGGGAATCTGCTATTGACACCCATAGATACTCCAGGAATCTTAGTTC[A>G]TTAAAGAATTTGGCTCCATTAATGTTTTTTTCTCACTTCTATAGGCTTGATTTGTTTGAT-3'

ClinVar aggregate classification (germline): Likely benign (1 of 4 stars; one submission).

Allele frequency attached by ClinVar (database versions not stated): gnomAD 0.00017; TOPMed 0.00018.
gnomAD v4.1: 19 of 112,365 alleles (0.017%); highest among the groups gnomAD compares: South Asian, 0.037%; no homozygotes.

Submission:

CeGaT Center for Human Genetics Tuebingen
Classification: Likely benign. Last evaluated: 2023-01-01. Review status: criteria provided, single submitter. Criteria: CeGaT Center For Human Genetics Tuebingen Variant Classification Criteria Version 2. Collection method: clinical testing. Allele origin: germline. Affected: yes. Observed: 1 variant allele.
Comment: OFD1: BS2